The following is an entry in ClinVar:

ClinVar aggregate classification (germline): Uncertain significance (1 of 4 stars; one submission).

Conditions:
Inborn genetic diseases. Identifiers: MedGen C0950123, MeSH D030342.

Submission:

Ambry Genetics
Classification: Uncertain significance for Inborn genetic diseases. Last evaluated: 2022-04-19. Review status: criteria provided, single submitter. Criteria: Ambry Variant Classification Scheme 2023. Collection method: clinical testing. Allele origin: germline.
Comment: The p.Q287H variant (also known as c.861A>C), located in coding exon 4 of the ATR gene, results from an A to C substitution at nucleotide position 861. The glutamine at codon 287 is replaced by histidine, an amino acid with highly similar properties. This amino acid position is conserved. In addition, this alteration is predicted to be tolerated by in silico analysis. Since supporting evidence is limited at this time, the clinical significance of this alteration remains unclear.

NM_001184.4(ATR):c.861A>C (p.Gln287His)

Gene: ATR (ATR checkpoint kinase; minus strand). Cytogenetic location: 3q23.
Variant type: single nucleotide variant.
Coding change: c.861A>C on transcript NM_001184.4 (MANE Select); coding-DNA position 861, A replaced by C.
Protein change: p.Gln287His; replaces glutamine 287 with histidine.
Molecular consequence: missense variant.
Genome position (GRCh38, 1-based): chr3:142,562,541, T>G on the plus strand (A>C on the coding strand, the complement: ATR is on the minus strand). VCF-style: chr3-142562541-T-G. GRCh37 (hg19) VCF-style: chr3-142281383-T-G.
Other names: c.861A>C, p.Gln287His (NM_001354579.2); short protein forms Q287H.
Identifiers: ClinVar variation 1764048 (VCV001764048.3), dbSNP rs1292971115, ClinGen allele CA354825179.